The following is an entry in ClinVar:

ClinVar aggregate classification (germline): Pathogenic/Likely pathogenic. Review status: criteria provided, multiple submitters, no conflicts (2 of 4 stars). 5 submissions from 5 submitters: Pathogenic (2); Likely pathogenic (3). Last evaluated 2025-09-17.

Conditions:
Cardiovascular phenotype. Identifiers: MedGen CN230736.
Dilated cardiomyopathy 1G (CMD1G). Identifiers: Orphanet 154, MedGen C1858763, MONDO:0011400, OMIM 604145.
Autosomal recessive limb-girdle muscular dystrophy type 2J (LGMDR10). Also called: MUSCULAR DYSTROPHY, LIMB-GIRDLE, AUTOSOMAL RECESSIVE 10; Limb-girdle muscular dystrophy, type 2J. Identifiers: Orphanet 140922, MedGen C1837342, MONDO:0012127, OMIM 608807.
Myopathy, myofibrillar, 9, with early respiratory failure (MFM9). Also called: EDSTROM MYOPATHY; MYOPATHY, PROXIMAL, WITH EARLY RESPIRATORY MUSCLE INVOLVEMENT; Myopathy, distal, with early respiratory failure, autosomal dominant; Hereditary myopathy with early respiratory failure. Identifiers: Orphanet 178464, Orphanet 34521, MedGen C1863599, MONDO:0011362, OMIM 603689.
Early-onset myopathy with fatal cardiomyopathy (CMYO5). Also called: CONGENITAL MYOPATHY 5 WITH CARDIOMYOPATHY; Salih Myopathy. Identifiers: Orphanet 289377, MedGen C2673677, MONDO:0012714, OMIM 611705. Disease mechanism: loss of function.
Hypertrophic cardiomyopathy 9. Also called: Familial hypertrophic cardiomyopathy 9. Identifiers: MedGen C1861065, MONDO:0013412, OMIM 613765.
Tibial muscular dystrophy (TMD). Also called: UDD MYOPATHY; Tibial muscular dystrophy, tardive; Udd Distal Myopathy – Tibial Muscular Dystrophy. Identifiers: Orphanet 609, MedGen C1838244, MONDO:0010870, OMIM 600334.
Primary dilated cardiomyopathy (DCM). Also called: Dilated Cardiomyopathy. Identifiers: Orphanet 217604, MedGen C0007193, MeSH D002311, MONDO:0005021, HP:0001644. Inheritance: Various modes of inheritance.

Submissions (5):

Ambry Genetics
Classification: Likely pathogenic for Cardiovascular phenotype. Last evaluated: 2025-09-17. Review status: criteria provided, single submitter. Criteria: Ambry Variant Classification Scheme 2023. Collection method: clinical testing. Allele origin: germline.
Comment: The c.69934_69935dupTA variant, located in coding exon 175 of the TTN gene, results from a duplication of 2 nucleotides at positions 69934 to 69935, causing a translational frameshift with a predicted alternate stop codon (p.L23314Hfs*4). This exon is located in the A-band region of the N2-B isoform of the titin protein and is constitutively expressed in TTN transcripts (percent spliced in or PSI 100%). This variant is considered to be rare based on population cohorts in the Genome Aggregation Database (gnomAD). This alteration is expected to result in loss of function by premature protein truncation or nonsense-mediated mRNA decay. While truncating variants in TTN are present in 1-3% of the general population, truncating variants in the A-band are the most common cause of dilated cardiomyopathy (DCM) (Herman DS et al. N. Engl. J. Med., 2012 Feb;366:619-28; Roberts AM et al. Sci Transl Med, 2015 Jan;7:270ra6). TTN truncating variants encoded in constitutive exons (PSI >90%) have been found to be significantly associated with DCM regardless of their position in titin (Schafer S et al. Nat. Genet., 2017 01;49:46-53). Based on the majority of available evidence to date, this variant is likely to be pathogenic.

Labcorp Genetics (formerly Invitae), Labcorp
Classification: Likely pathogenic for Dilated cardiomyopathy 1G; Autosomal recessive limb-girdle muscular dystrophy type 2J. Last evaluated: 2025-08-04. Review status: criteria provided, single submitter. Criteria: Invitae Variant Classification Sherloc (09022015). Collection method: clinical testing. Allele origin: germline.
Comment: This sequence change creates a premature translational stop signal (p.Leu32379Hisfs*4) in the TTN gene. While this is not anticipated to result in nonsense mediated decay, it is expected to create a truncated TTN protein. This variant is present in population databases (rs748382770, gnomAD 0.0009%). This premature translational stop signal has been observed in individual(s) with clinical features of TTN-related conditions (PMID: 35653365; internal data). ClinVar contains an entry for this variant (Variation ID: 202496). This variant is located in the A band of TTN (PMID: 25589632). Truncating variants in this region are significantly overrepresented in patients affected with dilated cardiomyopathy (PMID: 25589632). Truncating variants in this region have also been reported in individuals affected with autosomal recessive centronuclear myopathy (PMID: 23975875). In summary, the currently available evidence indicates that the variant is pathogenic, but additional data are needed to prove that conclusively. Therefore, this variant has been classified as Likely Pathogenic.

Clinical Genetics Laboratory, Skane University Hospital Lund
Classification: Pathogenic for Primary dilated cardiomyopathy. Last evaluated: 2024-08-27. Review status: criteria provided, single submitter. Criteria: ACMG Guidelines, 2015. Collection method: clinical testing. Allele origin: germline. Affected: yes.
Comment: ACMG criteria used: PVS1, PS4_moderate, PM2

Revvity Omics, Revvity
Classification: Pathogenic. Last evaluated: 2023-02-17. Review status: criteria provided, single submitter. Criteria: ACMG Guidelines, 2015. Collection method: clinical testing. Allele origin: germline.

Fulgent Genetics
Classification: Likely pathogenic for Tibial muscular dystrophy; Myopathy, myofibrillar, 9, with early respiratory failure; Dilated cardiomyopathy 1G; Autosomal recessive limb-girdle muscular dystrophy type 2J; Early-onset myopathy with fatal cardiomyopathy; Hypertrophic cardiomyopathy 9. Last evaluated: 2021-12-07. Review status: criteria provided, single submitter. Criteria: ACMG Guidelines, 2015. Collection method: clinical testing. Allele origin: unknown.

Literature cited by the submitters: PubMed 34135346 (cited by Ambry Genetics); PubMed 35653365 (cited by Labcorp Genetics (formerly Invitae), Labcorp); PubMed 25589632 (cited by Labcorp Genetics (formerly Invitae), Labcorp); PubMed 23975875 (cited by Labcorp Genetics (formerly Invitae), Labcorp).

NM_001267550.2(TTN):c.97129_97130dup (p.Leu32379fs)

Genes: TTN-AS1 (TTN antisense RNA 1; plus strand), TTN (titin; minus strand). Cytogenetic location: 2q31.2.
Variant type: Duplication.
Coding change: c.97129_97130dup on transcript NM_001267550.2 (MANE Select); coding-DNA positions 97129 to 97130, 2 bases duplicated (TA; older notation c.97129_97130dupTA).
Protein change: p.Leu32379fs; shifts the reading frame from leucine 32379.
Molecular consequence: frameshift variant.
Genome position (GRCh38, 1-based): chr2:178,542,724-178,542,725, TA duplicated on the plus strand (TA on the coding strand, the reverse complement: TTN is on the minus strand); duplicating any 2 consecutive bases within chr2:178,542,724-178,542,726 gives the same sequence; the c. name uses the placement nearest the transcript's 3' end. VCF-style (leftmost placement, unchanged base first): chr2-178542723-G-GTA. GRCh37 (hg19) VCF-style: chr2-179407450-G-GTA.
Other names: c.69934_69935dupTA (NM_003319.4); c.92206_92207dup, p.Leu30738fs (NM_001256850.1); c.69934_69935dup, p.Leu23314fs (NM_003319.4); c.89425_89426dup, p.Leu29811fs (NM_133378.4); c.70309_70310dup, p.Leu23439fs (NM_133432.3); c.70510_70511dup, p.Leu23506fs (NM_133437.4); c.97129_97130dupTA (NM_001267550.2); c.92206_92207dupTA (NM_001256850.1); short protein forms L29811fs, L23439fs, L30738fs, L23314fs, L23506fs, L32379fs.
Identifiers: ClinVar variation 202496 (VCV000202496.18), dbSNP rs748382770, ClinGen allele CA309459.